The following is an entry in ClinVar:

ClinVar aggregate classification (germline): Uncertain significance. Review status: criteria provided, multiple submitters, no conflicts (2 of 4 stars). 2 submissions from 2 submitters: Uncertain significance (2). Last evaluated 2025-01-10.

Conditions:
Inborn genetic diseases. Identifiers: MedGen C0950123, MeSH D030342.

Allele frequency attached by ClinVar (database versions not stated): gnomAD exomes below 0.00001.
gnomAD v4.1: 1 of 1,210,278 alleles (0.000083%); highest among the groups gnomAD compares: Admixed American, 0.0022%; no homozygotes.

Submissions (2):

GeneDx
Classification: Uncertain significance. Last evaluated: 2025-01-10. Review status: criteria provided, single submitter. Criteria: GeneDx Variant Classification Process June 2021. Collection method: clinical testing. Allele origin: germline. Affected: yes.
Comment: Not observed at significant frequency in large population cohorts (gnomAD); In silico analysis supports that this missense variant has a deleterious effect on protein structure/function; Has not been previously published as pathogenic or benign to our knowledge

Ambry Genetics
Classification: Uncertain significance for Inborn genetic diseases. Last evaluated: 2021-05-06. Review status: criteria provided, single submitter. Criteria: Ambry Variant Classification Scheme 2023. Collection method: clinical testing. Allele origin: germline.
Comment: The c.1780C>A (p.H594N) alteration is located in exon 9 (coding exon 7) of the ZNF711 gene. This alteration results from a C to A substitution at nucleotide position 1780, causing the histidine (H) at amino acid position 594 to be replaced by an asparagine (N). Based on data from the Genome Aggregation Database (gnomAD) database, the ZNF711 c.1780C>A alteration was observed in 0.0005% (1/180,121) of total alleles studied. This amino acid position is highly conserved in available vertebrate species. The p.H594N alteration is predicted to be tolerated by in silico analysis. Based on insufficient or conflicting evidence, the clinical significance of this alteration remains unclear.

NM_001330574.2(ZNF711):c.1918C>A (p.His640Asn)

Gene: ZNF711 (zinc finger protein 711; plus strand). Cytogenetic location: Xq21.1.
Variant type: single nucleotide variant.
Coding change: c.1918C>A on transcript NM_001330574.2 (MANE Select); coding-DNA position 1918, C replaced by A.
Protein change: p.His640Asn; replaces histidine 640 with asparagine.
Molecular consequence: missense variant.
Genome position (GRCh38, 1-based): chrX:85,271,322, C>A. VCF-style: chrX-85271322-C-A. GRCh37 (hg19) VCF-style: chrX-84526328-C-A.
Other names: c.1918C>A, p.His640Asn (NM_001375431.1, NM_001375432.1, NM_001375433.1); c.1780C>A, p.His594Asn (NM_001375434.1, NM_001375435.1, NM_001375436.1 and 2 more transcripts); short protein forms H640N, H594N.
Identifiers: ClinVar variation 2230595 (VCV002230595.3), dbSNP rs745988477, ClinGen allele CA10464810.